The following is an entry in ClinVar:

NM_015346.4(ZFYVE26):c.4752T>A (p.His1584Gln)

Gene: ZFYVE26 (zinc finger FYVE-type containing 26; minus strand). Cytogenetic location: 14q24.1.
Variant type: single nucleotide variant.
Coding change: c.4752T>A on transcript NM_015346.4 (MANE Select); coding-DNA position 4752, T replaced by A.
Protein change: p.His1584Gln; replaces histidine 1584 with glutamine.
Molecular consequence: missense variant.
Genome position (GRCh38, 1-based): chr14:67,778,171, A>T on the plus strand (T>A on the coding strand, the complement: ZFYVE26 is on the minus strand). VCF-style: chr14-67778171-A-T. GRCh37 (hg19) VCF-style: chr14-68244888-A-T.
Other names: short protein forms H1584Q.
Identifiers: ClinVar variation 3390803 (VCV003390803.2).

ClinVar aggregate classification (germline): Uncertain significance. Review status: criteria provided, multiple submitters, no conflicts (2 of 4 stars). 2 submissions from 2 submitters: Uncertain significance (2). Last evaluated 2025-09-23.

Conditions:
Spastic paraplegia. Identifiers: MedGen C0037772, HP:0001258.

gnomAD v4.1: 94 of 1,614,070 alleles (0.0058%); highest among the groups gnomAD compares: Non-Finnish European, 0.0076%; no homozygotes.

Submissions (2):

Labcorp Genetics (formerly Invitae), Labcorp
Classification: Uncertain significance for Spastic paraplegia. Last evaluated: 2025-09-23. Review status: criteria provided, single submitter. Criteria: Invitae Variant Classification Sherloc (09022015). Collection method: clinical testing. Allele origin: germline.
Comment: This sequence change replaces histidine, which is basic and polar, with glutamine, which is neutral and polar, at codon 1584 of the ZFYVE26 protein (p.His1584Gln). This variant is present in population databases (rs779020818, gnomAD 0.005%). This variant has not been reported in the literature in individuals affected with ZFYVE26-related conditions. ClinVar contains an entry for this variant (Variation ID: 3390803). An algorithm developed to predict the effect of missense changes on protein structure and function (PolyPhen-2) suggests that this variant is likely to be tolerated. In summary, the available evidence is currently insufficient to determine the role of this variant in disease. Therefore, it has been classified as a Variant of Uncertain Significance.

GeneDx
Classification: Uncertain significance. Last evaluated: 2024-06-09. Review status: criteria provided, single submitter. Criteria: GeneDx Variant Classification Process June 2021. Collection method: clinical testing. Allele origin: germline. Affected: yes.
Comment: Not observed at significant frequency in large population cohorts (gnomAD); In silico analysis supports that this missense variant has a deleterious effect on protein structure/function; Has not been previously published as pathogenic or benign to our knowledge; This variant is associated with the following publications: (PMID: 18394578)